The following is an entry in ClinVar:

NM_001999.4(FBN2):c.761G>C (p.Cys254Ser)

Gene: FBN2 (fibrillin 2; minus strand). Cytogenetic location: 5q23.3.
Variant type: single nucleotide variant.
Coding change: c.761G>C on transcript NM_001999.4 (MANE Select); coding-DNA position 761, G replaced by C.
Protein change: p.Cys254Ser; replaces cysteine 254 with serine.
Molecular consequence: missense variant.
Genome position (GRCh38, 1-based): chr5:128,464,789, C>G on the plus strand (G>C on the coding strand, the complement: FBN2 is on the minus strand). VCF-style: chr5-128464789-C-G. GRCh37 (hg19) VCF-style: chr5-127800482-C-G.
Other names: short protein forms C254S.
Identifiers: ClinVar variation 264096 (VCV000264096.5), dbSNP rs755760127, ClinGen allele CA3396013.

ClinVar aggregate classification (germline): Uncertain significance (1 of 4 stars; one submission).

Conditions:
Familial thoracic aortic aneurysm and aortic dissection (TAAD). Also called: Thoracic aortic aneurysms and dissections. Identifiers: Orphanet 91387, MedGen C4707243, MONDO:0019625.

Allele frequency attached by ClinVar (database versions not stated): ExAC 0.00001.
gnomAD v4.1: 1 of 1,614,186 alleles (0.000062%); highest among the groups gnomAD compares: Admixed American, 0.0017%; no homozygotes.

Submission:

Ambry Genetics
Classification: Uncertain significance for Familial thoracic aortic aneurysm and aortic dissection. Last evaluated: 2015-06-22. Review status: criteria provided, single submitter. Criteria: Ambry Variant Classification Scheme 2023. Collection method: clinical testing. Allele origin: germline.
Comment: The p.C254S variant (also known as c.761G>C), located in coding exon 6 of the FBN2 gene, results from a G to C substitution at nucleotide position 761. The cysteine at codon 254 is replaced by serine, an amino acid with dissimilar properties. This amino acid position is highly conserved in available vertebrate species. In addition, this alteration is predicted to be deleterious by in silico analysis. Since supporting evidence is limited at this time, the clinical significance of this variant remains unclear.